The following is an entry in ClinVar:

ClinVar aggregate classification (germline): Likely benign. Review status: criteria provided, multiple submitters, no conflicts (2 of 4 stars). 4 submissions from 4 submitters: Likely benign (4). Last evaluated 2026-01-27.

Allele frequency attached by ClinVar (database versions not stated): gnomAD 0.00006; TOPMed 0.00006; gnomAD exomes 0.00012 and 0.00018; ExAC 0.00014.
gnomAD v4.1: 180 of 1,614,092 alleles (0.011%); highest among the groups gnomAD compares: Non-Finnish European, 0.012%; no homozygotes.

Submissions (4):

Labcorp Genetics (formerly Invitae), Labcorp
Classification: Likely benign. Last evaluated: 2026-01-27. Review status: criteria provided, single submitter. Criteria: Invitae Variant Classification Sherloc (09022015). Collection method: clinical testing. Allele origin: germline.

Center for Genomic Medicine, Rigshospitalet, Copenhagen University Hospital
Classification: Likely benign. Last evaluated: 2025-03-04. Review status: criteria provided, single submitter. Criteria: ACMG Guidelines, 2015. Collection method: clinical testing. Allele origin: germline.

Blueprint Genetics
Classification: Likely benign. Last evaluated: 2023-09-14. Review status: criteria provided, single submitter. Criteria: ACMG Guidelines, 2015. Collection method: clinical testing. Allele origin: germline.

GeneDx
Classification: Likely benign. Last evaluated: 2017-10-10. Review status: criteria provided, single submitter. Criteria: GeneDx Variant Classification (06012015). Collection method: clinical testing. Allele origin: germline. Affected: yes.
Comment: This variant is considered likely benign or benign based on one or more of the following criteria: it is a conservative change, it occurs at a poorly conserved position in the protein, it is predicted to be benign by multiple in silico algorithms, and/or has population frequency not consistent with disease.

NM_006231.4(POLE):c.4444+18C>T

Gene: POLE (DNA polymerase epsilon, catalytic subunit; minus strand). Cytogenetic location: 12q24.33.
Variant type: single nucleotide variant.
Coding change: c.4444+18C>T on transcript NM_006231.4 (MANE Select); 18 bases into the intron after coding-DNA position 4444, C replaced by T.
Molecular consequence: intron variant.
Genome position (GRCh38, 1-based): chr12:132,643,389, G>A on the plus strand (C>T on the coding strand, the complement: POLE is on the minus strand). VCF-style: chr12-132643389-G-A. GRCh37 (hg19) VCF-style: chr12-133219975-G-A.
Identifiers: ClinVar variation 389452 (VCV000389452.11), dbSNP rs780605858, ClinGen allele CA6892852.